The following is an entry in ClinVar:

NM_020812.4(DOCK6):c.172G>T (p.Asp58Tyr)

Gene: DOCK6 (dedicator of cytokinesis 6; minus strand). Cytogenetic location: 19p13.2.
Variant type: single nucleotide variant.
Coding change: c.172G>T on transcript NM_020812.4 (MANE Select); coding-DNA position 172, G replaced by T.
Protein change: p.Asp58Tyr; replaces aspartic acid 58 with tyrosine.
Molecular consequence: missense variant.
Genome position (GRCh38, 1-based): chr19:11,252,919, C>A on the plus strand (G>T on the coding strand, the complement: DOCK6 is on the minus strand). VCF-style: chr19-11252919-C-A. GRCh37 (hg19) VCF-style: chr19-11363595-C-A.
Other names: c.172G>T, p.Asp58Tyr (NM_001367830.1); c.172G>T (NM_020812.3); short protein forms D58Y.
Identifiers: ClinVar variation 2718276 (VCV002718276.5), dbSNP rs763117803, ClinGen allele CA9208603.

ClinVar aggregate classification (germline): Uncertain significance. Review status: criteria provided, single submitter (1 of 4 stars). 2 submissions from 2 submitters: Uncertain significance (1). 1 of the submissions does not count toward it. Last evaluated 2024-10-25.

Conditions:
DOCK6-related disorder. Also called: DOCK6-related condition.

Allele frequency attached by ClinVar (database versions not stated): TOPMed 0.00004; gnomAD 0.00011; gnomAD exomes 0.00013; ExAC 0.00018.
gnomAD v4.1: 216 of 1,612,620 alleles (0.013%); highest among the groups gnomAD compares: Non-Finnish European, 0.0081%; no homozygotes.

Submissions (2):

Labcorp Genetics (formerly Invitae), Labcorp
Classification: Uncertain significance. Last evaluated: 2024-10-25. Review status: criteria provided, single submitter. Criteria: Invitae Variant Classification Sherloc (09022015). Collection method: clinical testing. Allele origin: germline.
Comment: This sequence change replaces aspartic acid, which is acidic and polar, with tyrosine, which is neutral and polar, at codon 58 of the DOCK6 protein (p.Asp58Tyr). This variant is present in population databases (rs763117803, gnomAD 0.2%). This variant has not been reported in the literature in individuals affected with DOCK6-related conditions. Invitae Evidence Modeling of protein sequence and biophysical properties (such as structural, functional, and spatial information, amino acid conservation, physicochemical variation, residue mobility, and thermodynamic stability) indicates that this missense variant is not expected to disrupt DOCK6 protein function with a negative predictive value of 80%. In summary, the available evidence is currently insufficient to determine the role of this variant in disease. Therefore, it has been classified as a Variant of Uncertain Significance.

PreventionGenetics, part of Exact Sciences
Classification: Likely benign for DOCK6-related condition. Last evaluated: 2022-04-25. Review status: no assertion criteria provided. Collection method: clinical testing. Allele origin: germline. Not counted in ClinVar's aggregate classification.
Comment: This variant is classified as likely benign based on ACMG/AMP sequence variant interpretation guidelines (Richards et al. 2015 PMID: 25741868, with internal and published modifications).